The following is an entry in ClinVar:

ClinVar aggregate classification (germline): no classifications from unflagged records (0 of 4 stars; one submission).

Allele frequency attached by ClinVar (database versions not stated): gnomAD exomes below 0.00001; gnomAD 0.00001; TOPMed below 0.00001.
gnomAD v4.1: 2 of 1,609,986 alleles (0.00012%); highest among the groups gnomAD compares: Non-Finnish European, 0.00017%; no homozygotes.

Submission:

AiLife Diagnostics
Classification: Likely pathogenic. Last evaluated: 2022-01-07. Review status: flagged submission. Criteria: ACMG Guidelines, 2015. Collection method: clinical testing. Allele origin: germline. Affected: yes. Observed: 1 variant allele.
ClinVar note: Notes: This variant occurs in exons 9-41 of the MANE Select NM_006073.4 transcript but no valid P/LP variants have been reported due to the predominant transcript in cardiac tissue being one with only 8 exons (NM_001256021.1). Please provide evidence to support this claim.
ClinVar note: Reason: Claim with insufficient supporting evidence

NM_006073.4(TRDN):c.1322-2A>C

Gene: TRDN (triadin; minus strand). Cytogenetic location: 6q22.31.
Variant type: single nucleotide variant.
Coding change: c.1322-2A>C on transcript NM_006073.4 (MANE Select); the canonical splice acceptor site of the intron before coding-DNA position 1322, A replaced by C.
Molecular consequence: splice acceptor variant.
Genome position (GRCh38, 1-based): chr6:123,352,588, T>G on the plus strand (A>C on the coding strand, the complement: TRDN is on the minus strand). VCF-style: chr6-123352588-T-G. GRCh37 (hg19) VCF-style: chr6-123673733-T-G.
Other names: c.1265-2A>C (NM_001407315.1); c.1325-2A>C (NM_001251987.2).
Identifiers: ClinVar variation 1677795 (VCV001677795.1), dbSNP rs1351171945, ClinGen allele CA365566184.